The following is an entry in ClinVar:

NM_001040142.2(SCN2A):c.4256C>G (p.Ala1419Gly)

Gene: SCN2A (sodium voltage-gated channel alpha subunit 2; plus strand). Cytogenetic location: 2q24.3.
Variant type: single nucleotide variant.
Coding change: c.4256C>G on transcript NM_001040142.2 (MANE Select); coding-DNA position 4256, C replaced by G.
Protein change: p.Ala1419Gly; replaces alanine 1419 with glycine.
Molecular consequence: missense variant.
Genome position (GRCh38, 1-based): chr2:165,377,598, C>G. VCF-style: chr2-165377598-C-G. GRCh37 (hg19) VCF-style: chr2-166234108-C-G.
Other names: c.4256C>G, p.Ala1419Gly (NM_001040143.2, NM_001371246.1, NM_001371247.1 and 1 more transcripts); short protein forms A1419G.
Identifiers: ClinVar variation 2942344 (VCV002942344.3), dbSNP rs2468113965, ClinGen allele CA349032881.
Genomic context (GRCh38, chr2:165,377,598, plus strand): 5'-ATTTATTTTCTAAAATTATAATTTTGGGAAAAAAGAAAATGATATGACTTTTCTTACAGG[C>G]CACGTTTAAGGGATGGATGGATATTATGTATGCAGCTGTTGATTCACGAAATGTAAGTCT-3'
Protein context (NP_001035232.1, residues 1409-1429): GLGYLSLLQV[Ala1419Gly]TFKGWMDIMY

ClinVar aggregate classification (germline): Uncertain significance (1 of 4 stars; one submission).

Conditions:
Seizures, benign familial infantile, 3 (BFIS3). Also called: CONVULSIONS, BENIGN FAMILIAL INFANTILE, 3; Familial neonatal seizures. Identifiers: Orphanet 140927, Orphanet 306, MedGen C1843140, MONDO:0011904, OMIM 607745.
Developmental and epileptic encephalopathy, 11 (DEE11). Also called: Early infantile epileptic encephalopathy 11. Identifiers: Orphanet 1934, MedGen C3150987, MONDO:0013388, OMIM 613721.

Submission:

Labcorp Genetics (formerly Invitae), Labcorp
Classification: Uncertain significance for Seizures, benign familial infantile, 3; Developmental and epileptic encephalopathy, 11. Last evaluated: 2023-03-17. Review status: criteria provided, single submitter. Criteria: Invitae Variant Classification Sherloc (09022015). Collection method: clinical testing. Allele origin: germline.
Comment: An algorithm developed to predict the effect of missense changes on protein structure and function (PolyPhen-2) suggests that this variant is likely to be disruptive. This sequence change replaces alanine, which is neutral and non-polar, with glycine, which is neutral and non-polar, at codon 1419 of the SCN2A protein (p.Ala1419Gly). This variant is not present in population databases (gnomAD no frequency). This variant has not been reported in the literature in individuals affected with SCN2A-related conditions. In summary, the available evidence is currently insufficient to determine the role of this variant in disease. Therefore, it has been classified as a Variant of Uncertain Significance.